The following is an entry in ClinVar:

NM_015570.4(AUTS2):c.765_766delinsTA (p.Leu256Ile)

Gene: AUTS2 (activator of transcription and developmental regulator AUTS2; plus strand). Cytogenetic location: 7q11.22.
Variant type: Indel.
Coding change: c.765_766delinsTA on transcript NM_015570.4 (MANE Select); coding-DNA positions 765 to 766, GC replaced by TA.
Protein change: p.Leu256Ile; replaces leucine 256 with isoleucine.
Molecular consequence: missense variant.
Genome position (GRCh38, 1-based): chr7:70,762,892-70,762,893, GC replaced by TA. VCF-style: chr7-70762892-GC-TA. GRCh37 (hg19) VCF-style: chr7-70227878-GC-TA.
Other names: c.765_766delinsTA, p.Leu256Ile (NM_001127231.3); short protein forms L256I.
Identifiers: ClinVar variation 4732855 (VCV004732855.1).
Genomic context (GRCh38, chr7:70,762,892, plus strand): 5'-CATTGCCTGTGGTTTTGTCTTTGCTCTCTCCCATGCAGATCCGGAGTTAGGTGTTGGCAC[GC>TA]TACCAGAACATGACAGCCAGGATGCAGGGCCGATTGTCCCCAAGATATCGGGTCTAGAGA-3'
Protein context (NP_056385.1, residues 246-266): NKDPELGVGT[Leu256Ile]PEHDSQDAGP

ClinVar aggregate classification (germline): Uncertain significance (1 of 4 stars; one submission).

Submission:

Labcorp Genetics (formerly Invitae), Labcorp
Classification: Uncertain significance. Last evaluated: 2025-12-09. Review status: criteria provided, single submitter. Criteria: Invitae Variant Classification Sherloc (09022015). Collection method: clinical testing. Allele origin: germline.
Comment: This sequence change replaces leucine, which is neutral and non-polar, with isoleucine, which is neutral and non-polar, at codon 256 of the AUTS2 protein (p.Leu256Ile). Information on the frequency of this variant in the gnomAD database is not available, as this variant may be reported differently in the database. This variant has not been reported in the literature in individuals affected with AUTS2-related conditions. Experimental studies and prediction algorithms are not available or were not evaluated, and the functional significance of this variant is currently unknown. In summary, the available evidence is currently insufficient to determine the role of this variant in disease. Therefore, it has been classified as a Variant of Uncertain Significance.